The following is an entry in ClinVar:

NM_024577.4(SH3TC2):c.289G>A (p.Ala97Thr)

Gene: SH3TC2 (SH3 domain and tetratricopeptide repeats 2; minus strand). Cytogenetic location: 5q32.
Variant type: single nucleotide variant.
Coding change: c.289G>A on transcript NM_024577.4 (MANE Select); coding-DNA position 289, G replaced by A.
Protein change: p.Ala97Thr; replaces alanine 97 with threonine.
Molecular consequence: missense variant.
Genome position (GRCh38, 1-based): chr5:149,044,629, C>T on the plus strand (G>A on the coding strand, the complement: SH3TC2 is on the minus strand). VCF-style: chr5-149044629-C-T. GRCh37 (hg19) VCF-style: chr5-148424192-C-T.
Other names: short protein forms A97T.
Identifiers: ClinVar variation 653815 (VCV000653815.13), dbSNP rs562689036, ClinGen allele CA3499546.

ClinVar aggregate classification (germline): Conflicting classifications of pathogenicity. Review status: criteria provided, conflicting classifications (1 of 4 stars). 2 submissions from 2 submitters: Uncertain significance (1); Benign (1). Last evaluated 2023-08-19.

Conditions:
Hereditary motor and sensory neuropathy. Identifiers: MedGen C0027888, MONDO:0015358.
Charcot-Marie-Tooth disease type 4. Also called: Charcot-Marie-Tooth disease, type IV; Charcot-Marie-Tooth, Type 4. Identifiers: Orphanet 64749, MedGen C4082197, MONDO:0018995.

Allele frequency attached by ClinVar (database versions not stated): gnomAD below 0.00001 and 0.00001; gnomAD exomes 0.00004 and 0.00014; 1000 Genomes Project 30x 0.00016; ExAC 0.00016; 1000 Genomes Project 0.00020.
gnomAD v4.1: 61 of 1,613,874 alleles (0.0038%); highest among the groups gnomAD compares: South Asian, 0.064%; no homozygotes.

Submissions (2):

Labcorp Genetics (formerly Invitae), Labcorp
Classification: Benign for Charcot-Marie-Tooth disease type 4. Last evaluated: 2023-08-19. Review status: criteria provided, single submitter. Criteria: Invitae Variant Classification Sherloc (09022015). Collection method: clinical testing. Allele origin: germline.

Diagnostics Services (NGS), CSIR - Centre For Cellular And Molecular Biology
Classification: Uncertain significance for Hereditary motor and sensory neuropathy. Last evaluated: 2019-12-24. Review status: criteria provided, single submitter. Criteria: ACMG Guidelines, 2015. Collection method: clinical testing. Allele origin: unknown. Inheritance: Autosomal recessive inheritance. Affected: yes. Observed: 1 heterozygote.
Comment: The c.289G>A variant is not present in publicly available database like Exome Variant Server (EVS), however present in 1000 Genomes, Exome Aggregation Consortium (ExAC), Genome Aggregation Database (gnomAD) and dbSNP at a low minor allele frequency (MAF<0.001), in heterozygous state. The variant is present in our in-house exome database in heterozygous state (MAF~0.00259). This variant was not reported earlier in OMIM, ClinVar and HGMD databases in any other affected individuals. In-silico pathogenicity prediction programs like SIFT, PolyPhen-2, MutationTaster2, CADD etc. predicted this variant as likely deleterious, however functional assay was not done to prove this. Due to lack of enough evidence the variant has been classified as uncertain significance. The variant was observed in compound heterozygous state with an another missense variant (c.1942C>T) in SH3TC2 gene (ClinVar Accession ID: VCV000351908.2)